The following is an entry in ClinVar:

ClinVar aggregate classification (germline): Likely benign. Review status: criteria provided, multiple submitters, no conflicts (2 of 4 stars). 3 submissions from 3 submitters: Likely benign (3). Last evaluated 2026-07-16.

Conditions:
IMPG2-related disorder. Also called: IMPG2-related condition.

Allele frequency attached by ClinVar (database versions not stated): gnomAD exomes below 0.00001 and 0.00001; ExAC 0.00002; gnomAD 0.00005 and 0.00006; TOPMed 0.00005.
gnomAD v4.1: 15 of 1,610,714 alleles (0.00093%); highest among the groups gnomAD compares: African/African-American, 0.012%; no homozygotes.

Submissions (3):

PreventionGenetics, part of Exact Sciences
Classification: Likely benign for IMPG2-related condition. Last evaluated: 2026-07-16. Review status: criteria provided, single submitter. Criteria: ACMG Guidelines, 2015. Collection method: clinical testing. Allele origin: germline.
Comment: This variant is classified as likely benign based on ACMG/AMP sequence variant interpretation guidelines (Richards et al. 2015 PMID: 25741868, with internal and published modifications).

CeGaT Center for Human Genetics Tuebingen
Classification: Likely benign. Last evaluated: 2025-02-01. Review status: criteria provided, single submitter. Criteria: CeGaT Center For Human Genetics Tuebingen Variant Classification Criteria Version 2. Collection method: clinical testing. Allele origin: germline. Affected: yes. Observed: 1 variant allele.
Comment: IMPG2: BP4, BP7

Labcorp Genetics (formerly Invitae), Labcorp
Classification: Likely benign. Last evaluated: 2024-11-18. Review status: criteria provided, single submitter. Criteria: Invitae Variant Classification Sherloc (09022015). Collection method: clinical testing. Allele origin: germline.

NM_016247.4(IMPG2):c.1224G>A (p.Thr408=)

Gene: IMPG2 (interphotoreceptor matrix proteoglycan 2; minus strand). Cytogenetic location: 3q12.3.
Variant type: single nucleotide variant.
Coding change: c.1224G>A on transcript NM_016247.4 (MANE Select); coding-DNA position 1224, G replaced by A.
Protein change: p.Thr408=; no amino-acid change (threonine 408 retained).
Molecular consequence: synonymous variant.
Genome position (GRCh38, 1-based): chr3:101,253,711, C>T on the plus strand (G>A on the coding strand, the complement: IMPG2 is on the minus strand). VCF-style: chr3-101253711-C-T. GRCh37 (hg19) VCF-style: chr3-100972555-C-T.
Other names: c.1224G>A (NM_016247.3).
Identifiers: ClinVar variation 1611310 (VCV001611310.22), dbSNP rs113384204, ClinGen allele CA2519246.